The following is an entry in ClinVar:

ClinVar aggregate classification (germline): Pathogenic. Review status: criteria provided, multiple submitters, no conflicts (2 of 4 stars). 3 submissions from 3 submitters: Pathogenic (2). 1 of the submissions does not count toward it. Last evaluated 2023-08-30.

Conditions:
Lesch-Nyhan syndrome (LNS). Also called: HPRT DEFICIENCY, COMPLETE; Lesch-Nyhan Disease (LND). Identifiers: Orphanet 510, MedGen C0023374, MONDO:0010298, OMIM 300322.
Partial hypoxanthine-guanine phosphoribosyltransferase deficiency. Also called: HPRT DEFICIENCY, PARTIAL; HYPOXANTHINE GUANINE PHOSPHORIBOSYLTRANSFERASE 1 DEFICIENCY, PARTIAL; HPRT1 DEFICIENCY, PARTIAL; Kelley-Seegmiller Syndrome; GOUT, HPRT-RELATED. Identifiers: Orphanet 79233, MedGen C0268117, MONDO:0010299, OMIM 300323.

Submissions (3):

GeneDx
Classification: Pathogenic. Last evaluated: 2023-08-30. Review status: criteria provided, single submitter. Criteria: GeneDx Variant Classification Process June 2021. Collection method: clinical testing. Allele origin: germline. Affected: yes.
Comment: Nonsense variant predicted to result in protein truncation or nonsense mediated decay in a gene for which loss of function is a known mechanism of disease; Not observed at significant frequency in large population cohorts (gnomAD); This variant is associated with the following publications: (PMID: 25525159, 17027311, 2347587, Han-Wook1998[case report], 9288634)

Labcorp Genetics (formerly Invitae), Labcorp
Classification: Pathogenic for Lesch-Nyhan syndrome; Partial hypoxanthine-guanine phosphoribosyltransferase deficiency. Last evaluated: 2021-07-12. Review status: criteria provided, single submitter. Criteria: Invitae Variant Classification Sherloc (09022015). Collection method: clinical testing. Allele origin: germline.

OMIM
Classification: Pathogenic for LESCH-NYHAN SYNDROME. Last evaluated: 1990-06-01. Review status: no assertion criteria provided. Collection method: literature only. Allele origin: germline. Not counted in ClinVar's aggregate classification.

Literature cited by the submitters: PubMed 2347587 (cited by OMIM).

NM_000194.3(HPRT1):c.325C>T (p.Gln109Ter)

Gene: HPRT1 (hypoxanthine phosphoribosyltransferase 1; plus strand). Cytogenetic location: Xq26.2.
Variant type: single nucleotide variant.
Coding change: c.325C>T on transcript NM_000194.3 (MANE Select); coding-DNA position 325, C replaced by T.
Protein change: p.Gln109Ter; replaces glutamine 109 with a stop codon.
Molecular consequence: nonsense.
Genome position (GRCh38, 1-based): chrX:134,486,471, C>T. VCF-style: chrX-134486471-C-T. GRCh37 (hg19) VCF-style: chrX-133620501-C-T.
Other names: Q108*; short protein forms Q109*.
Identifiers: ClinVar variation 10046 (VCV000010046.5), dbSNP rs137852489, ClinGen allele CA254997.